The following is an entry in ClinVar:

NM_005732.4(RAD50):c.2821C>T (p.Gln941Ter)

Gene: RAD50 (RAD50 double strand break repair protein; plus strand). Cytogenetic location: 5q31.1.
Variant type: single nucleotide variant.
Coding change: c.2821C>T on transcript NM_005732.4 (MANE Select); coding-DNA position 2821, C replaced by T.
Protein change: p.Gln941Ter; replaces glutamine 941 with a stop codon.
Molecular consequence: nonsense.
Genome position (GRCh38, 1-based): chr5:132,608,717, C>T. VCF-style: chr5-132608717-C-T. GRCh37 (hg19) VCF-style: chr5-131944409-C-T.
Other names: short protein forms Q941*.
Identifiers: ClinVar variation 37376 (VCV000037376.54), dbSNP rs397507177, ClinGen allele CA130231.

ClinVar aggregate classification (germline): Pathogenic/Likely pathogenic. Review status: criteria provided, multiple submitters, no conflicts (2 of 4 stars). 4 submissions from 4 submitters: Pathogenic (3); Likely pathogenic (1). Last evaluated 2025-05-12.

Conditions:
Hereditary cancer-predisposing syndrome. Also called: Neoplastic Syndromes, Hereditary; Tumor predisposition; Hereditary Cancer Syndrome; Hereditary neoplastic syndrome. Identifiers: Orphanet 140162, MedGen C0027672, MeSH D009386, MONDO:0015356.
Nijmegen breakage syndrome-like disorder (NBSLD). Also called: MICROCEPHALY AND SPONTANEOUS CHROMOSOME INSTABILITY WITHOUT IMMUNODEFICIENCY; NBS-LIKE DISORDER; RAD50 DEFICIENCY. Identifiers: Orphanet 240760, MedGen C2751318, MONDO:0013118, OMIM 613078.

Allele frequency attached by ClinVar (database versions not stated): gnomAD exomes 0.00001; TOPMed 0.00001; gnomAD 0.00001.

Submissions (4):

Labcorp Genetics (formerly Invitae), Labcorp
Classification: Pathogenic for Hereditary cancer-predisposing syndrome. Last evaluated: 2025-05-12. Review status: criteria provided, single submitter. Criteria: Invitae Variant Classification Sherloc (09022015). Collection method: clinical testing. Allele origin: germline.
Comment: This sequence change creates a premature translational stop signal (p.Gln941*) in the RAD50 gene. It is expected to result in an absent or disrupted protein product. Loss-of-function variants in RAD50 are known to be pathogenic (PMID: 19409520). This variant is present in population databases (rs397507177, gnomAD 0.004%). This premature translational stop signal has been observed in individual(s) with hereditary cancer (PMID: 24763289). ClinVar contains an entry for this variant (Variation ID: 37376). For these reasons, this variant has been classified as Pathogenic.

Ambry Genetics
Classification: Pathogenic for Hereditary cancer-predisposing syndrome. Last evaluated: 2024-11-29. Review status: criteria provided, single submitter. Criteria: Ambry Variant Classification Scheme 2023. Collection method: clinical testing. Allele origin: germline.
Comment: The p.Q941* pathogenic mutation (also known as c.2821C>T), located in coding exon 17 of the RAD50 gene, results from a C to T substitution at nucleotide position 2821. This changes the amino acid from a glutamine to a stop codon within coding exon 17. This variant was reported in 4/60,466 breast cancer cases and in 7/53,461 controls (Dorling et al. N Engl J Med. 2021 02;384:428-439). This variant is considered to be rare based on population cohorts in the Genome Aggregation Database (gnomAD). This alteration is expected to result in loss of function by premature protein truncation or nonsense-mediated mRNA decay. As such, this alteration is interpreted as a disease-causing mutation.

Fulgent Genetics
Classification: Likely pathogenic for Nijmegen breakage syndrome-like disorder. Last evaluated: 2024-01-26. Review status: criteria provided, single submitter. Criteria: ACMG Guidelines, 2015. Collection method: clinical testing. Allele origin: germline.

CeGaT Center for Human Genetics Tuebingen
Classification: Pathogenic. Last evaluated: 2019-03-01. Review status: criteria provided, single submitter. Criteria: CeGaT Center For Human Genetics Tuebingen Variant Classification Criteria Version 2. Collection method: clinical testing. Allele origin: germline. Affected: yes. Observed: 1 variant allele.

Literature cited by the submitters: PubMed 19409520 (cited by Labcorp Genetics (formerly Invitae), Labcorp); PubMed 24763289 (cited by Labcorp Genetics (formerly Invitae), Labcorp); PubMed 33471991 (cited by Ambry Genetics).